The following is an entry in ClinVar:

ClinVar aggregate classification (germline): Uncertain significance (1 of 4 stars; one submission).

Conditions:
ENHANCED S-CONE SYNDROME 1 (ESCS1). Also called: RETINOSCHISIS WITH EARLY HEMERALOPIA; FAVRE HYALOIDEORETINAL DEGENERATION. Identifiers: MedGen CN380299, OMIM 268100.

Submission:

Myriad Genetics, Inc.
Classification: Uncertain significance for ENHANCED S-CONE SYNDROME 1. Last evaluated: 2025-07-28. Review status: criteria provided, single submitter. Criteria: Myriad Autosomal Dominant, Autosomal Recessive and X-Linked Classification Criteria (2023). Collection method: clinical testing. Allele origin: unknown.
Comment: NM_014249.2(NR2E3):c.1102T>C(F368L) is a missense variant classified as a variant of uncertain significance in the context of enhanced S-cone syndrome. F368L has not been observed in cases with relevant disease. Relevant functional assessments of this variant are not available in the literature. F368L has not been observed in referenced population frequency databases. In summary, there is insufficient evidence to classify NM_014249.2(NR2E3):c.1102T>C(F368L) as pathogenic or benign. Please note: this variant was assessed in the context of healthy population screening.

NM_014249.4(NR2E3):c.1102T>C (p.Phe368Leu)

Gene: NR2E3 (nuclear receptor subfamily 2 group E member 3; plus strand). Cytogenetic location: 15q23.
Variant type: single nucleotide variant.
Coding change: c.1102T>C on transcript NM_014249.4 (MANE Select); coding-DNA position 1102, T replaced by C.
Protein change: p.Phe368Leu; replaces phenylalanine 368 with leucine.
Molecular consequence: missense variant.
Genome position (GRCh38, 1-based): chr15:71,817,553, T>C. VCF-style: chr15-71817553-T-C. GRCh37 (hg19) VCF-style: chr15-72109894-T-C.
Other names: short protein forms F368L.
Identifiers: ClinVar variation 5003763 (VCV005003763.1).
Genomic context (GRCh38, chr15:71,817,553, plus strand): 5'-CCAGGGACTAGTGCTCAGAAGCTGGTCGTAAAACTGATGGCGTCCTCTCTCCTGTTCAGG[T>C]TTGGGAAATTGCTCCTGCTCCTCCCGTCTTTGAGGTTTATCACTGCGGAACGCATCGAGC-3'
Protein context (NP_055064.1, residues 358-378): KAHHPSQPVR[Phe368Leu]GKLLLLLPSL